The following is an entry in ClinVar:

ClinVar aggregate classification (germline): Likely benign. Review status: criteria provided, multiple submitters, no conflicts (2 of 4 stars). 2 submissions from 2 submitters: Likely benign (2). Last evaluated 2018-06-14.

Allele frequency attached by ClinVar (database versions not stated): 1000 Genomes Project 0.00779; 1000 Genomes Project 30x 0.00843; gnomAD 0.01568 and 0.01593; TOPMed 0.01580.
gnomAD v4.1: 34,183 of 1,597,268 alleles (2.1%); highest among the groups gnomAD compares: Non-Finnish European, 2.6%; 456 homozygotes.

Submissions (2):

GeneDx
Classification: Likely benign. Last evaluated: 2018-06-14. Review status: criteria provided, single submitter. Criteria: GeneDx Variant Classification (06012015). Collection method: clinical testing. Allele origin: germline. Affected: yes.
Comment: This variant is considered likely benign or benign based on one or more of the following criteria: it is a conservative change, it occurs at a poorly conserved position in the protein, it is predicted to be benign by multiple in silico algorithms, and/or has population frequency not consistent with disease.

Breakthrough Genomics
Classification: Likely benign. Review status: criteria provided, single submitter. Criteria: ACMG Guidelines, 2015. Collection method: not provided. Allele origin: germline. Inheritance: Autosomal dominant inheritance. Affected: yes.

NM_001999.4(FBN2):c.3724+57C>T

Gene: FBN2 (fibrillin 2; minus strand). Cytogenetic location: 5q23.3.
Variant type: single nucleotide variant.
Coding change: c.3724+57C>T on transcript NM_001999.4 (MANE Select); 57 bases into the intron after coding-DNA position 3724, C replaced by T.
Molecular consequence: intron variant.
Genome position (GRCh38, 1-based): chr5:128,335,931, G>A on the plus strand (C>T on the coding strand, the complement: FBN2 is on the minus strand). VCF-style: chr5-128335931-G-A. GRCh37 (hg19) VCF-style: chr5-127671623-G-A.
Identifiers: ClinVar variation 671056 (VCV000671056.2), dbSNP rs75170825, ClinGen allele CA12105953.